The following is an entry in ClinVar:

ClinVar aggregate classification (germline): Uncertain significance. Review status: criteria provided, multiple submitters, no conflicts (2 of 4 stars). 2 submissions from 2 submitters: Uncertain significance (2). Last evaluated 2024-07-22.

Conditions:
Kabuki syndrome. Also called: Kabuki make-up syndrome; NIIKAWA-KUROKI SYNDROME. Identifiers: Orphanet 2322, MedGen C0796004, MONDO:0016512.

Submissions (2):

GeneDx
Classification: Uncertain significance. Last evaluated: 2024-07-22. Review status: criteria provided, single submitter. Criteria: GeneDx Variant Classification Process June 2021. Collection method: clinical testing. Allele origin: germline. Affected: yes.
Comment: Not observed at significant frequency in large population cohorts (gnomAD); In silico analysis supports that this missense variant has a deleterious effect on protein structure/function; Has not been previously published as pathogenic or benign to our knowledge

Labcorp Genetics (formerly Invitae), Labcorp
Classification: Uncertain significance for Kabuki syndrome. Last evaluated: 2023-06-22. Review status: criteria provided, single submitter. Criteria: Invitae Variant Classification Sherloc (09022015). Collection method: clinical testing. Allele origin: germline.
Comment: In summary, the available evidence is currently insufficient to determine the role of this variant in disease. Therefore, it has been classified as a Variant of Uncertain Significance. Advanced modeling of protein sequence and biophysical properties (such as structural, functional, and spatial information, amino acid conservation, physicochemical variation, residue mobility, and thermodynamic stability) performed at Invitae indicates that this missense variant is not expected to disrupt KMT2D protein function. This variant has not been reported in the literature in individuals affected with KMT2D-related conditions. This variant is not present in population databases (gnomAD no frequency). This sequence change replaces proline, which is neutral and non-polar, with leucine, which is neutral and non-polar, at codon 2230 of the KMT2D protein (p.Pro2230Leu).

NM_003482.4(KMT2D):c.6689C>T (p.Pro2230Leu)

Gene: KMT2D (lysine methyltransferase 2D; minus strand). Cytogenetic location: 12q13.12.
Variant type: single nucleotide variant.
Coding change: c.6689C>T on transcript NM_003482.4 (MANE Select); coding-DNA position 6689, C replaced by T.
Protein change: p.Pro2230Leu; replaces proline 2230 with leucine.
Molecular consequence: missense variant.
Genome position (GRCh38, 1-based): chr12:49,041,081, G>A on the plus strand (C>T on the coding strand, the complement: KMT2D is on the minus strand). VCF-style: chr12-49041081-G-A. GRCh37 (hg19) VCF-style: chr12-49434864-G-A.
Other names: short protein forms P2230L.
Identifiers: ClinVar variation 2741163 (VCV002741163.4), dbSNP rs2120541247, ClinGen allele CA384750037.
Genomic context (GRCh38, chr12:49,041,081, plus strand): 5'-GGGCAGCGGGGTTTGAGGAATGGGTCAGGTGTGGAGGGCTGGTGTCTGGGGGTGCCAGGT[G>A]GGGTAGTGTGGAATTCCCCTGGCTGGCCAGCCCCAGGACGAGATGAGGCGCCCAGCATCG-3'
Protein context (NP_003473.3, residues 2220-2240): AGQPGEFHTT[Pro2230Leu]PGTPRHQPST